The following is an entry in ClinVar:

NM_020754.4(ARHGAP31):c.190A>G (p.Ile64Val)

Gene: ARHGAP31 (Rho GTPase activating protein 31; plus strand). Cytogenetic location: 3q13.33.
Variant type: single nucleotide variant.
Coding change: c.190A>G on transcript NM_020754.4 (MANE Select); coding-DNA position 190, A replaced by G.
Protein change: p.Ile64Val; replaces isoleucine 64 with valine.
Molecular consequence: missense variant.
Genome position (GRCh38, 1-based): chr3:119,365,405, A>G. VCF-style: chr3-119365405-A-G. GRCh37 (hg19) VCF-style: chr3-119084252-A-G.
Other names: short protein forms I64V.
Identifiers: ClinVar variation 4762601 (VCV004762601.1).

ClinVar aggregate classification (germline): Uncertain significance (1 of 4 stars; one submission).

gnomAD v4.1: 3 of 1,613,852 alleles (0.00019%); highest among the groups gnomAD compares: South Asian, 0.0022%; no homozygotes.

Submission:

Labcorp Genetics (formerly Invitae), Labcorp
Classification: Uncertain significance. Last evaluated: 2025-10-14. Review status: criteria provided, single submitter. Criteria: Invitae Variant Classification Sherloc (09022015). Collection method: clinical testing. Allele origin: germline.
Comment: This sequence change replaces isoleucine, which is neutral and non-polar, with valine, which is neutral and non-polar, at codon 64 of the ARHGAP31 protein (p.Ile64Val). This variant is present in population databases (no rsID available, gnomAD 0.01%). This variant has not been reported in the literature in individuals affected with ARHGAP31-related conditions. An algorithm developed to predict the effect of missense changes on protein structure and function (PolyPhen-2) suggests that this variant is likely to be disruptive. In summary, the available evidence is currently insufficient to determine the role of this variant in disease. Therefore, it has been classified as a Variant of Uncertain Significance.